The following is an entry in ClinVar:

ClinVar aggregate classification (germline): Uncertain significance (1 of 4 stars; one submission).

Conditions:
Hypertrophic cardiomyopathy. Also called: HYPERTROPHIC MYOCARDIOPATHY. Identifiers: Orphanet 217569, MedGen C0007194, MeSH D002312, MONDO:0005045, HP:0001639.

Submission:

Labcorp Genetics (formerly Invitae), Labcorp
Classification: Uncertain significance for Hypertrophic cardiomyopathy. Last evaluated: 2024-01-22. Review status: criteria provided, single submitter. Criteria: Invitae Variant Classification Sherloc (09022015). Collection method: clinical testing. Allele origin: germline.
Comment: This sequence change replaces glutamic acid, which is acidic and polar, with glycine, which is neutral and non-polar, at codon 240 of the MYBPC3 protein (p.Glu240Gly). This variant is not present in population databases (gnomAD no frequency). This variant has not been reported in the literature in individuals affected with MYBPC3-related conditions. An algorithm developed to predict the effect of missense changes on protein structure and function (PolyPhen-2) suggests that this variant is likely to be disruptive. In summary, the available evidence is currently insufficient to determine the role of this variant in disease. Therefore, it has been classified as a Variant of Uncertain Significance.

NM_000256.3(MYBPC3):c.719A>G (p.Glu240Gly)

Gene: MYBPC3 (myosin binding protein C3; minus strand). Cytogenetic location: 11p11.2.
Variant type: single nucleotide variant.
Coding change: c.719A>G on transcript NM_000256.3 (MANE Select); coding-DNA position 719, A replaced by G.
Protein change: p.Glu240Gly; replaces glutamic acid 240 with glycine.
Molecular consequence: missense variant.
Genome position (GRCh38, 1-based): chr11:47,348,477, T>C on the plus strand (A>G on the coding strand, the complement: MYBPC3 is on the minus strand). VCF-style: chr11-47348477-T-C. GRCh37 (hg19) VCF-style: chr11-47370028-T-C.
Other names: short protein forms E240G.
Identifiers: ClinVar variation 2829396 (VCV002829396.3), dbSNP rs1258661494, ClinGen allele CA380335831.